The following is an entry in ClinVar:

NM_012330.4(KAT6B):c.2386A>G (p.Met796Val)

Gene: KAT6B (lysine acetyltransferase 6B; plus strand). Cytogenetic location: 10q22.2.
Variant type: single nucleotide variant.
Coding change: c.2386A>G on transcript NM_012330.4 (MANE Select); coding-DNA position 2386, A replaced by G.
Protein change: p.Met796Val; replaces methionine 796 with valine.
Molecular consequence: missense variant. On other transcripts: intron variant (4).
Genome position (GRCh38, 1-based): chr10:74,985,092, A>G. VCF-style: chr10-74985092-A-G. GRCh37 (hg19) VCF-style: chr10-76744850-A-G.
Other names: c.1837A>G, p.Met613Val (NM_001256468.2, NM_001370138.1); c.1510A>G, p.Met504Val (NM_001256469.2, NM_001370139.1, NM_001370140.1 and 2 more transcripts); c.2386A>G, p.Met796Val (NM_001370136.1, NM_001370137.1); c.1321A>G, p.Met441Val (NM_001370143.1, NM_001370144.1); c.847-3927A>G (NM_001370133.1); c.450+3164A>G (NM_001370134.1); c.1497+3164A>G (NM_001370132.1); c.193-3927A>G (NM_001370135.1); short protein forms M613V, M441V, M504V, M796V.
Identifiers: ClinVar variation 4754082 (VCV004754082.1).

ClinVar aggregate classification (germline): Uncertain significance (1 of 4 stars; one submission).

Conditions:
Genitopatellar syndrome (GTPTS). Also called: Genitopatellar syndrome (GPS); ABSENT PATELLAE, SCROTAL HYPOPLASIA, RENAL ANOMALIES, FACIAL DYSMORPHISM, AND MENTAL RETARDATION. Identifiers: Orphanet 85201, MedGen C1853566, MONDO:0011640, OMIM 606170.

gnomAD v4.1: 1 of 1,614,112 alleles (0.000062%); highest among the groups gnomAD compares: Non-Finnish European, 0.000085%; no homozygotes.

Submission:

Labcorp Genetics (formerly Invitae), Labcorp
Classification: Uncertain significance for Genitopatellar syndrome. Last evaluated: 2025-08-30. Review status: criteria provided, single submitter. Criteria: Invitae Variant Classification Sherloc (09022015). Collection method: clinical testing. Allele origin: germline.
Comment: This sequence change replaces methionine, which is neutral and non-polar, with valine, which is neutral and non-polar, at codon 796 of the KAT6B protein (p.Met796Val). This variant is not present in population databases (gnomAD no frequency). This variant has not been reported in the literature in individuals affected with KAT6B-related conditions. Invitae Evidence Modeling of protein sequence and biophysical properties (such as structural, functional, and spatial information, amino acid conservation, physicochemical variation, residue mobility, and thermodynamic stability) indicates that this missense variant is not expected to disrupt KAT6B protein function with a negative predictive value of 80%. In summary, the available evidence is currently insufficient to determine the role of this variant in disease. Therefore, it has been classified as a Variant of Uncertain Significance.